The following is an entry in ClinVar:

NM_001128840.3(CACNA1D):c.6417C>T (p.Asp2139=)

Gene: CACNA1D (calcium voltage-gated channel subunit alpha1 D; plus strand). Cytogenetic location: 3p21.1.
Variant type: single nucleotide variant.
Coding change: c.6417C>T on transcript NM_001128840.3 (MANE Select); coding-DNA position 6417, C replaced by T.
Protein change: p.Asp2139=; no amino-acid change (aspartic acid 2139 retained).
Molecular consequence: synonymous variant.
Genome position (GRCh38, 1-based): chr3:53,811,337, C>T. VCF-style: chr3-53811337-C-T. GRCh37 (hg19) VCF-style: chr3-53845364-C-T.
Other names: c.6477C>T, p.Asp2159= (NM_000720.4); c.6345C>T, p.Asp2115= (NM_001128839.3).
Identifiers: ClinVar variation 504771 (VCV000504771.45), dbSNP rs375811590, ClinGen allele CA2455445.

ClinVar aggregate classification (germline): Conflicting classifications of pathogenicity. Review status: criteria provided, conflicting classifications (1 of 4 stars). 7 submissions from 7 submitters: Uncertain significance (1); Likely benign (6). Last evaluated 2026-03-10.

Conditions:
CACNA1D-related disorder.

Allele frequency attached by ClinVar (database versions not stated): gnomAD exomes 0.00005 and 0.00013; ExAC 0.00017; ESP Exome Variant Server 0.00038; gnomAD 0.00041 and 0.00043; TOPMed 0.00046; 1000 Genomes Project 0.00140; 1000 Genomes Project 30x 0.00156.
gnomAD v4.1: 134 of 1,605,270 alleles (0.0083%); highest among the groups gnomAD compares: African/African-American, 0.14%; no homozygotes.

Submissions (7):

PreventionGenetics, part of Exact Sciences
Classification: Likely benign for CACNA1D-related condition. Last evaluated: 2026-03-10. Review status: criteria provided, single submitter. Criteria: ACMG Guidelines, 2015. Collection method: clinical testing. Allele origin: germline.
Comment: This variant is classified as likely benign based on ACMG/AMP sequence variant interpretation guidelines (Richards et al. 2015 PMID: 25741868, with internal and published modifications).

Labcorp Genetics (formerly Invitae), Labcorp
Classification: Likely benign. Last evaluated: 2026-01-13. Review status: criteria provided, single submitter. Criteria: Invitae Variant Classification Sherloc (09022015). Collection method: clinical testing. Allele origin: germline.

Blueprint Genetics
Classification: Likely benign. Last evaluated: 2024-09-25. Review status: criteria provided, single submitter. Criteria: ACMG Guidelines, 2015. Collection method: clinical testing. Allele origin: germline.

CeGaT Center for Human Genetics Tuebingen
Classification: Likely benign. Last evaluated: 2022-06-01. Review status: criteria provided, single submitter. Criteria: CeGaT Center For Human Genetics Tuebingen Variant Classification Criteria Version 2. Collection method: clinical testing. Allele origin: germline. Affected: yes. Observed: 1 variant allele.
Comment: CACNA1D: BP4, BP7

GeneDx
Classification: Likely benign. Last evaluated: 2020-07-28. Review status: criteria provided, single submitter. Criteria: GeneDx Variant Classification Process June 2021. Collection method: clinical testing. Allele origin: germline. Affected: yes.

Eurofins Ntd Llc (ga)
Classification: Uncertain significance. Last evaluated: 2017-07-14. Review status: criteria provided, single submitter. Criteria: EGL Classification Definitions 2015. Collection method: clinical testing. Allele origin: germline. Observed: 1 variant allele, 1 heterozygote.

Laboratory for Molecular Medicine, Mass General Brigham Personalized Medicine
Classification: Likely benign. Last evaluated: 2016-08-31. Review status: criteria provided, single submitter. Criteria: LMM Criteria. Collection method: clinical testing. Allele origin: germline. Observed: 1 variant allele.
Comment: p.Asp2159Asp in exon 49 of CACNA1D: This variant is not expected to have clinica l significance because it does not alter an amino acid residue and is not locate d within the splice consensus sequence. It has been identified in 0.2% (20/10152 ) of African chromosomes by the Exome Aggregation Consortium (ExAC.; dbSNP rs375811590).